The following is an entry in ClinVar:

NM_000302.4(PLOD1):c.1650G>A (p.Thr550=)

Gene: PLOD1 (procollagen-lysine,2-oxoglutarate 5-dioxygenase 1; plus strand). Cytogenetic location: 1p36.22.
Variant type: single nucleotide variant.
Coding change: c.1650G>A on transcript NM_000302.4 (MANE Select); coding-DNA position 1650, G replaced by A.
Protein change: p.Thr550=; no amino-acid change (threonine 550 retained).
Molecular consequence: synonymous variant.
Genome position (GRCh38, 1-based): chr1:11,966,316, G>A. VCF-style: chr1-11966316-G-A. GRCh37 (hg19) VCF-style: chr1-12026373-G-A.
Other names: c.1791G>A, p.Thr597= (NM_001316320.2).
Identifiers: ClinVar variation 459812 (VCV000459812.16), dbSNP rs201999965, ClinGen allele CA598493.
Genomic context (GRCh38, chr1:11,966,316, plus strand): 5'-GAAGGAGAAGTACATCCACCAGAACTACACCAAAGCCCTGGCAGGGAAGCTGGTGGAGAC[G>A]GTAAGGGCCATGGACACCCTCTTGGACCAGCCTTGCCTGCTGCAGGGGGCAGGGCACAGA-3'
Protein context (NP_000293.2, residues 540-560): TKALAGKLVE[Thr550=]PCPDVYWFPI

ClinVar aggregate classification (germline): Uncertain significance. Review status: criteria provided, multiple submitters, no conflicts (2 of 4 stars). 8 submissions from 8 submitters: Uncertain significance (6). 2 of the submissions do not count toward it. Last evaluated 2026-04-07.

Conditions:
Familial thoracic aortic aneurysm and aortic dissection (TAAD). Also called: Thoracic aortic aneurysms and dissections. Identifiers: Orphanet 91387, MedGen C4707243, MONDO:0019625.
Ehlers-Danlos syndrome, kyphoscoliotic type 1 (EDSKSCL1). Also called: PLOD1-Related Kyphoscoliotic Ehlers-Danlos Syndrome; EHLERS-DANLOS SYNDROME, OCULAR-SCOLIOTIC TYPE; EHLERS-DANLOS SYNDROME, TYPE VIA; Ehlers-Danlos syndrome, hydroxylysine-deficient. Identifiers: Orphanet 1900, MedGen C0268342, MONDO:0016002, OMIM 225400. Disease mechanism: loss of function.

Allele frequency attached by ClinVar (database versions not stated): gnomAD exomes 0.00007; TOPMed 0.00007; ExAC 0.00009; gnomAD 0.00009 and 0.00011; 1000 Genomes Project 0.00040; 1000 Genomes Project 30x 0.00047.
gnomAD v4.1: 100 of 1,602,882 alleles (0.0062%); highest among the groups gnomAD compares: Admixed American, 0.049%; 1 homozygote.

Submissions (8):

Women's Health and Genetics/Laboratory Corporation of America, LabCorp
Classification: Uncertain significance. Last evaluated: 2026-04-07. Review status: criteria provided, single submitter. Criteria: LabCorp Variant Classification Summary - May 2015. Collection method: clinical testing. Allele origin: germline.
Comment: Variant summary: PLOD1 c.1650G>A (p.Thr550Thr) alters a conserved nucleotide located close to a canonical splice site and therefore could affect mRNA splicing, leading to a significantly altered protein sequence. Several computational tools predict a significant impact on normal splicing: Four predict the variant weakens a 5' donor site. However, these predictions have yet to be confirmed by functional studies. The variant allele was found at a frequency of 7.2e-05 in 235304 control chromosomes in the gnomAD database, including 1 homozygote. This frequency is not significantly higher than estimated for disease-causing variants in PLOD1, allowing no conclusion about variant significance. To our knowledge, no occurrence of c.1650G>A in individuals affected with PLOD1-related conditions and no experimental evidence demonstrating its impact on protein function have been reported. ClinVar contains an entry for this variant (Variation ID: 459812). Based on the evidence outlined above, the variant was classified as uncertain significance.

Ambry Genetics
Classification: Uncertain significance for Familial thoracic aortic aneurysm and aortic dissection. Last evaluated: 2025-07-24. Review status: criteria provided, single submitter. Criteria: Ambry Variant Classification Scheme 2023. Collection method: clinical testing. Allele origin: germline.
Comment: The c.1650G>A variant (also known as p.T550T), located in coding exon 15 of the PLOD1 gene, results from a G to A substitution at nucleotide position 1650. This nucleotide substitution does not change the at codon 550. However, this change occurs in the last base pair of coding exon 15, which makes it likely to have some effect on normal mRNA splicing. This nucleotide position is well conserved in available vertebrate species. In silico splice site analysis for this alteration is inconclusive. Based on the available evidence, the clinical significance of this variant remains unclear

GeneDx
Classification: Uncertain significance. Last evaluated: 2023-02-17. Review status: criteria provided, single submitter. Criteria: GeneDx Variant Classification Process June 2021. Collection method: clinical testing. Allele origin: germline. Affected: yes.
Comment: Has not been previously published as pathogenic or benign to our knowledge; In silico analysis supports that this variant does not alter splicing

Labcorp Genetics (formerly Invitae), Labcorp
Classification: Uncertain significance for Ehlers-Danlos syndrome, kyphoscoliotic type 1. Last evaluated: 2022-03-08. Review status: criteria provided, single submitter. Criteria: Invitae Variant Classification Sherloc (09022015). Collection method: clinical testing. Allele origin: germline.
Comment: This sequence change affects codon 550 of the PLOD1 mRNA. It is a 'silent' change, meaning that it does not change the encoded amino acid sequence of the PLOD1 protein. This variant also falls at the last nucleotide of exon 15, which is part of the consensus splice site for this exon. This variant is present in population databases (rs201999965, gnomAD 0.02%). This variant has not been reported in the literature in individuals affected with PLOD1-related conditions. ClinVar contains an entry for this variant (Variation ID: 459812). Variants that disrupt the consensus splice site are a relatively common cause of aberrant splicing (PMID: 17576681, 9536098). Algorithms developed to predict the effect of sequence changes on RNA splicing suggest that this variant may disrupt the consensus splice site. In summary, the available evidence is currently insufficient to determine the role of this variant in disease. Therefore, it has been classified as a Variant of Uncertain Significance.

Mendelics
Classification: Uncertain significance for Ehlers-Danlos syndrome, kyphoscoliotic type 1. Last evaluated: 2019-05-28. Review status: criteria provided, single submitter. Criteria: Mendelics Assertion Criteria 2017. Collection method: clinical testing. Allele origin: unknown.

Illumina Laboratory Services, Illumina
Classification: Uncertain significance for Ehlers-Danlos syndrome, kyphoscoliotic type 1. Last evaluated: 2018-01-13. Review status: criteria provided, single submitter. Criteria: ICSL Variant Classification Criteria 13 December 2019. Collection method: clinical testing. Allele origin: germline.

Clinical Genetics DNA and cytogenetics Diagnostics Lab, Erasmus MC, Erasmus Medical Center
Classification: Uncertain significance. Review status: no assertion criteria provided. Collection method: clinical testing. Allele origin: germline. Affected: yes. Study: VKGL Data-share Consensus. Not counted in ClinVar's aggregate classification.

Genome Diagnostics Laboratory, University Medical Center Utrecht
Classification: Uncertain significance. Review status: no assertion criteria provided. Collection method: clinical testing. Allele origin: germline. Affected: yes. Study: VKGL Data-share Consensus. Not counted in ClinVar's aggregate classification.

Literature cited by the submitters: PubMed 17576681 (cited by Labcorp Genetics (formerly Invitae), Labcorp); PubMed 9536098 (cited by Labcorp Genetics (formerly Invitae), Labcorp).